The following is an entry in ClinVar:

ClinVar aggregate classification (germline): Uncertain significance (1 of 4 stars; one submission).

Allele frequency attached by ClinVar (database versions not stated): TOPMed below 0.00001; gnomAD exomes 0.00001.
gnomAD v4.1: 2 of 398,556 alleles (0.0005%); highest among the groups gnomAD compares: Non-Finnish European, 0.00088%; no homozygotes.

Submission:

CeGaT Center for Human Genetics Tuebingen
Classification: Uncertain significance. Last evaluated: 2022-12-01. Review status: criteria provided, single submitter. Criteria: CeGaT Center For Human Genetics Tuebingen Variant Classification Criteria Version 2. Collection method: clinical testing. Allele origin: germline. Affected: yes. Observed: 1 variant allele.
Comment: CIC: PM2

NM_001386298.1(CIC):c.616C>T (p.Arg206Trp)

Gene: CIC (capicua transcriptional repressor; plus strand). Cytogenetic location: 19q13.2.
Variant type: single nucleotide variant.
Coding change: c.616C>T on transcript NM_001386298.1 (MANE Select); coding-DNA position 616, C replaced by T.
Protein change: p.Arg206Trp; replaces arginine 206 with tryptophan.
Molecular consequence: missense variant.
Genome position (GRCh38, 1-based): chr19:42,272,399, C>T. VCF-style: chr19-42272399-C-T. GRCh37 (hg19) VCF-style: chr19-42776551-C-T.
Other names: c.616C>T, p.Arg206Trp (NM_001304815.2, NM_001379480.1, NM_001379482.1 and 1 more transcripts); short protein forms R206W.
Identifiers: ClinVar variation 2649948 (VCV002649948.24), dbSNP rs1599847821, ClinGen allele CA406082669.